The following is an entry in ClinVar:

ClinVar aggregate classification (germline): Uncertain significance (1 of 4 stars; one submission).

Allele frequency attached by ClinVar (database versions not stated): gnomAD exomes below 0.00001; TOPMed below 0.00001; gnomAD 0.00001.
gnomAD v4.1: 6 of 1,613,980 alleles (0.00037%); highest among the groups gnomAD compares: Non-Finnish European, 0.00051%; no homozygotes.

Submission:

Labcorp Genetics (formerly Invitae), Labcorp
Classification: Uncertain significance. Last evaluated: 2024-03-13. Review status: criteria provided, single submitter. Criteria: Invitae Variant Classification Sherloc (09022015). Collection method: clinical testing. Allele origin: germline.
Comment: This sequence change replaces alanine, which is neutral and non-polar, with serine, which is neutral and polar, at codon 2520 of the FLNB protein (p.Ala2520Ser). This variant is present in population databases (no rsID available, gnomAD 0.0009%). This variant has not been reported in the literature in individuals affected with FLNB-related conditions. Advanced modeling of protein sequence and biophysical properties (such as structural, functional, and spatial information, amino acid conservation, physicochemical variation, residue mobility, and thermodynamic stability) performed at Invitae indicates that this missense variant is not expected to disrupt FLNB protein function with a negative predictive value of 95%. In summary, the available evidence is currently insufficient to determine the role of this variant in disease. Therefore, it has been classified as a Variant of Uncertain Significance.

NM_001457.4(FLNB):c.7558G>T (p.Ala2520Ser)

Genes: FLNB (filamin B; plus strand), FLNB-AS1 (FLNB antisense RNA 1; minus strand). Cytogenetic location: 3p14.3.
Variant type: single nucleotide variant.
Coding change: c.7558G>T on transcript NM_001457.4 (MANE Select); coding-DNA position 7558, G replaced by T.
Protein change: p.Ala2520Ser; replaces alanine 2520 with serine.
Molecular consequence: missense variant.
Genome position (GRCh38, 1-based): chr3:58,169,730, G>T. VCF-style: chr3-58169730-G-T. GRCh37 (hg19) VCF-style: chr3-58155457-G-T.
Other names: c.7651G>T, p.Ala2551Ser (NM_001164317.2); c.7525G>T, p.Ala2509Ser (NM_001164318.2); c.7486G>T, p.Ala2496Ser (NM_001164319.2); short protein forms A2551S, A2496S, A2509S, A2520S.
Identifiers: ClinVar variation 2961259 (VCV002961259.3), dbSNP rs1020317703, ClinGen allele CA75433677.